The following is an entry in ClinVar:

ClinVar aggregate classification (germline): Uncertain significance (1 of 4 stars; one submission).

Allele frequency attached by ClinVar (database versions not stated): gnomAD 0.00001; gnomAD exomes 0.00001; ExAC 0.00005; 1000 Genomes Project 30x 0.00031.
gnomAD v4.1: 5 of 1,547,420 alleles (0.00032%); highest among the groups gnomAD compares: South Asian, 0.006%; no homozygotes.

Submission:

Labcorp Genetics (formerly Invitae), Labcorp
Classification: Uncertain significance. Last evaluated: 2022-02-24. Review status: criteria provided, single submitter. Criteria: Invitae Variant Classification Sherloc (09022015). Collection method: clinical testing. Allele origin: germline.
Comment: Advanced modeling of protein sequence and biophysical properties (such as structural, functional, and spatial information, amino acid conservation, physicochemical variation, residue mobility, and thermodynamic stability) performed at Invitae indicates that this missense variant is expected to disrupt CPLANE1 protein function. In summary, the available evidence is currently insufficient to determine the role of this variant in disease. Therefore, it has been classified as a Variant of Uncertain Significance. This variant has not been reported in the literature in individuals affected with CPLANE1-related conditions. This variant is present in population databases (rs758978371, gnomAD 0.009%). This sequence change replaces proline, which is neutral and non-polar, with leucine, which is neutral and non-polar, at codon 960 of the CPLANE1 protein (p.Pro960Leu).

NM_001384732.1(CPLANE1):c.2879C>T (p.Pro960Leu)

Gene: CPLANE1 (ciliogenesis and planar polarity effector complex subunit 1; minus strand). Cytogenetic location: 5p13.2.
Variant type: single nucleotide variant.
Coding change: c.2879C>T on transcript NM_001384732.1 (MANE Select); coding-DNA position 2879, C replaced by T.
Protein change: p.Pro960Leu; replaces proline 960 with leucine.
Molecular consequence: missense variant.
Genome position (GRCh38, 1-based): chr5:37,213,600, G>A on the plus strand (C>T on the coding strand, the complement: CPLANE1 is on the minus strand). VCF-style: chr5-37213600-G-A. GRCh37 (hg19) VCF-style: chr5-37213702-G-A.
Other names: c.2879C>T, p.Pro960Leu (NM_023073.4); short protein forms P960L.
Identifiers: ClinVar variation 1370332 (VCV001370332.8), dbSNP rs758978371, ClinGen allele CA3239008.